The following is an entry in ClinVar:

NM_000153.4(GALC):c.1901T>C (p.Leu634Ser)

Gene: GALC (galactosylceramidase; minus strand). Cytogenetic location: 14q31.3.
Variant type: single nucleotide variant.
Coding change: c.1901T>C on transcript NM_000153.4 (MANE Select); coding-DNA position 1901, T replaced by C.
Protein change: p.Leu634Ser; replaces leucine 634 with serine.
Molecular consequence: missense variant.
Genome position (GRCh38, 1-based): chr14:87,939,915, A>G on the plus strand (T>C on the coding strand, the complement: GALC is on the minus strand). VCF-style: chr14-87939915-A-G. GRCh37 (hg19) VCF-style: chr14-88406259-A-G.
Other names: c.1832T>C, p.Leu611Ser (NM_001201401.2); c.1823T>C, p.Leu608Ser (NM_001201402.2); short protein forms L634S, L611S, L608S.
Identifiers: ClinVar variation 225368 (VCV000225368.47), dbSNP rs138577661, ClinGen allele CA7296877.

ClinVar aggregate classification (germline): Pathogenic/Likely pathogenic. Review status: criteria provided, multiple submitters, no conflicts (2 of 4 stars). 23 submissions from 23 submitters: Pathogenic (15); Likely pathogenic (7). 1 of the submissions does not count toward it. Last evaluated 2026-08-26.

Conditions:
GALC-related disorders.
Fetal anomalies with a likely genetic cause.
GALC-related disorder. Also called: GALC-related condition.
Galactosylceramide beta-galactosidase deficiency. Also called: Leukodystrophy, Globoid Cell; Krabbe Disease; GALACTOCEREBROSIDASE DEFICIENCY; GALC DEFICIENCY; GLOBOID CELL LEUKOENCEPHALOPATHY. Identifiers: Orphanet 487, MedGen C0023521, MONDO:0009499, OMIM 245200.

Allele frequency attached by ClinVar (database versions not stated): gnomAD 0.00018 and 0.00030; gnomAD exomes 0.00024 and 0.00065; TOPMed 0.00049; ExAC 0.00069; 1000 Genomes Project 30x 0.00141; 1000 Genomes Project 0.00160.

Submissions 1 to 14 of 23:

PreventionGenetics, part of Exact Sciences
Classification: Pathogenic for GALC-related condition. Last evaluated: 2026-08-26. Review status: criteria provided, single submitter. Criteria: ACMG Guidelines, 2015. Collection method: clinical testing. Allele origin: germline.
Comment: The GALC c.1901T>C variant is predicted to result in the amino acid substitution p.Leu634Ser. This variant (also described as p.Leu618Ser) has been reported in the homozygous and compound heterozygous states in patients with Krabbe disease with onset ranging from late-infantile to adult (see, for example, Furuya et al. 1997. PubMed ID: 9272171; Satoh et al. 1997. PubMed ID: 9371928; Xie et al. 2019. PubMed ID: 31885218; Bascou et al. 2020. PubMed ID: 33178108). In vitro functional studies demonstrate that this variant results in reduced GALC enzyme activity and abnormal retention in the endoplasmic reticulum suggestive of protein misfolding (see, for example, Furuya et al. 1997. PubMed ID: 9272171; Shin et al. 2016. PubMed ID: 26865610; Spratley et al. 2016. PubMed ID: 27126738). This variant is reported in 0.83% of alleles in individuals of East Asian descent in gnomAD. This variant is interpreted as pathogenic.

Genetics Laboratory, Great Ormond Street Hospital NHS Foundation Trust, North Thames Genomic Laboratory Hub
Classification: Likely pathogenic for Fetal anomalies with a likely genetic cause. Last evaluated: 2026-02-06. Review status: criteria provided, single submitter. Criteria: ACGS Best Practice Guidelines for Variant Classification in Rare Disease 2024 v1.2. Collection method: clinical testing. Allele origin: germline. Affected: yes.
Comment: PS4_moderate, PP3_supporting, PS3_moderate, PP4_strong

Labcorp Genetics (formerly Invitae), Labcorp
Classification: Pathogenic for Galactosylceramide beta-galactosidase deficiency. Last evaluated: 2026-02-02. Review status: criteria provided, single submitter. Criteria: Invitae Variant Classification Sherloc (09022015). Collection method: clinical testing. Allele origin: germline.
Comment: This sequence change replaces leucine, which is neutral and non-polar, with serine, which is neutral and polar, at codon 634 of the GALC protein (p.Leu634Ser). This variant is present in population databases (rs138577661, gnomAD 0.9%), and has an allele count higher than expected for a pathogenic variant. This missense change has been observed in individual(s) with Krabbe disease (PMID: 9272171, 16607461, 24252386, 26865610, 27679535, 27780934). This variant is also known as Leu618Ser. ClinVar contains an entry for this variant (Variation ID: 225368). Invitae Evidence Modeling of protein sequence and biophysical properties (such as structural, functional, and spatial information, amino acid conservation, physicochemical variation, residue mobility, and thermodynamic stability) indicates that this missense variant is expected to disrupt GALC protein function with a positive predictive value of 95%. Experimental studies have shown that this missense change affects GALC function (PMID: 9272171, 24252386, 27126738, 27638593, 27780934). For these reasons, this variant has been classified as Pathogenic.

3billion
Classification: Pathogenic for Galactosylceramide beta-galactosidase deficiency. Last evaluated: 2026-01-22. Review status: criteria provided, single submitter. Criteria: ACMG Guidelines, 2015. Collection method: clinical testing. Allele origin: germline. Affected: yes.
Comment: The variant is observed at an extremely low frequency in the gnomAD v4.1.0 dataset (total allele frequency: 0.025%). Predicted Consequence/Location: Missense variant Functional studies provide strong evidence of the variant having a damaging effect on the gene or gene product (PMID: 26865610). In silico tool predictions suggest damaging effect of the variant on gene or gene product [REVEL: 0.91 (>=0.6, sensitivity 0.68 and specificity 0.92); 3Cnet: 0.96 (> 0.75, sensitivity 0.96 and precision 0.92)]. The same nucleotide change resulting in the same amino acid change has been previously reported as pathogenic/likely pathogenic with strong evidence (ClinVar ID: VCV000225368 /PMID: 9272171, VCV000225368 /3billion dataset). Therefore, this variant is classified as Pathogenic according to the recommendation of ACMG/AMP guideline.

Medical Genetic Diagnosis and Therapy Center, Fujian Medical University
Classification: Pathogenic for Galactosylceramide beta-galactosidase deficiency. Last evaluated: 2025-10-27. Review status: criteria provided, single submitter. Criteria: ACMG Guidelines, 2015. Collection method: clinical testing. Allele origin: germline. Affected: yes.
Comment: P: PM3_VS+PS3+PM2+PP3. This variant has been reported in the following publication(s): [1] Furuya H, Kukita Y, Nagano S, et al. Adult onset globoid cell leukodystrophy (Krabbe disease): analysis of galactosylceramidase cDNA from four Japanese patients[J]. Human genetics, 1997, 100(3): 450-456.

Natera, Inc.
Classification: Pathogenic for Galactosylceramide beta-galactosidase deficiency. Last evaluated: 2025-09-23. Review status: criteria provided, single submitter. Criteria: Natera Variant Classification Schema (03/2026). Collection method: clinical testing. Allele origin: germline.
Comment: The c.1901T>C variant in GALC is a missense variant predicted to cause substitution of leucine to serine at amino acid 634. This variant is rare in the general population with a frequency below the threshold expected for the associated phenotype(s). This variant has been observed in one or more individuals affected with the associated recessive disease, as either homozygous or compound heterozygous with a second variant (PMID: 28598007). Computational prediction algorithms indicate this variant is likely to affect gene or protein function. Given the available evidence, this variant is classified as Pathogenic.

First Genomix Gene Laboratory, Genetic Diagnostics Department
Classification: Pathogenic for Galactosylceramide beta-galactosidase deficiency. Last evaluated: 2025-08-01. Review status: criteria provided, single submitter. Criteria: ACMG Guidelines, 2015. Collection method: clinical testing. Allele origin: germline. Inheritance: Autosomal recessive inheritance. Affected: no. Observed: 1 variant allele.

Blueprint Genetics
Classification: Pathogenic for GALC-related disorders. Last evaluated: 2024-11-20. Review status: criteria provided, single submitter. Criteria: ACMG Guidelines, 2015. Collection method: clinical testing. Allele origin: germline. Affected: yes. Observed: 5 variant alleles.

Revvity Omics, Revvity
Classification: Pathogenic. Last evaluated: 2024-10-24. Review status: criteria provided, single submitter. Criteria: ACMG Guidelines, 2015. Collection method: clinical testing. Allele origin: germline.

Fulgent Genetics
Classification: Pathogenic for Galactosylceramide beta-galactosidase deficiency. Last evaluated: 2024-03-19. Review status: criteria provided, single submitter. Criteria: ACMG Guidelines, 2015. Collection method: clinical testing. Allele origin: germline.

Center for Molecular Medicine, Children’s Hospital of Fudan University
Classification: Likely pathogenic for Galactosylceramide beta-galactosidase deficiency. Last evaluated: 2024-01-08. Review status: criteria provided, single submitter. Criteria: ACMG Guidelines, 2015. Collection method: clinical testing. Allele origin: paternal. Affected: yes.

Department of Pathology and Laboratory Medicine, Sinai Health System
Classification: Pathogenic for Galactosylceramide beta-galactosidase deficiency. Last evaluated: 2023-09-18. Review status: criteria provided, single submitter. Criteria: ACMG Guidelines, 2015. Collection method: research. Allele origin: germline.

Neuberg Centre For Genomic Medicine, NCGM
Classification: Pathogenic for Galactosylceramide beta-galactosidase deficiency. Last evaluated: 2023-07-22. Review status: criteria provided, single submitter. Criteria: ACMG Guidelines, 2015. Collection method: clinical testing. Allele origin: germline. Inheritance: Autosomal recessive inheritance. Affected: yes.
Comment: The observed missense variant c.1901T>Cp.Leu634Ser in GALC gene has been reported previously in individuals with Krabbe disease. Experimental studies have shown that this missense change affects GALC function Lim SM, et al., 2016; Hossain MA, et al., 2014. This variant is reported with the allele frequency 0.06% in the gnomAD Exomes. This variant has been reported to the ClinVar database as Pathogenic/Likely Pathogenic/Benign. The amino acid Leu at position 634 is changed to a Ser changing protein sequence and it might alter its composition and physico-chemical properties. Multiple lines of computational evidence Polyphen - Possibly damaging, SIFT – Damaging and MutationTaster - Disease causing predict a damaging effect on protein structure and function for this variant. The residue is conserved by GERP++ and PhyloP across 100 vertebrates. For these reasons, this variant has been classified as Pathogenic. In the absence of another reportable variant, the molecular diagnosis is not confirmed.

Mayo Clinic Laboratories, Mayo Clinic
Classification: Pathogenic. Last evaluated: 2023-04-28. Review status: criteria provided, single submitter. Criteria: ACMG Guidelines, 2015. Collection method: clinical testing. Allele origin: germline. Observed: 1 variant allele.